The following is an entry in ClinVar:

NM_005002.5(NDUFA9):c.808C>A (p.Arg270=)

Gene: NDUFA9 (NADH:ubiquinone oxidoreductase subunit A9; plus strand). Cytogenetic location: 12p13.32.
Variant type: single nucleotide variant.
Coding change: c.808C>A on transcript NM_005002.5 (MANE Select); coding-DNA position 808, C replaced by A.
Protein change: p.Arg270=; no amino-acid change (arginine 270 retained).
Molecular consequence: synonymous variant.
Genome position (GRCh38, 1-based): chr12:4,682,212, C>A. VCF-style: chr12-4682212-C-A. GRCh37 (hg19) VCF-style: chr12-4791378-C-A.
Identifiers: ClinVar variation 3369849 (VCV003369849.1).
Genomic context (GRCh38, chr12:4,682,212, plus strand): 5'-GAAACTTTGTGAGAAGCGTGTAATTGAAAGAACTGTGTATTGTCTTTTTATAGTCCCAGT[C>A]GGTACCTCCTTTTCCACCTGGTGAAGTACATCTTTGCTGTGGCTCACAGATTGTTCCTCC-3'
Protein context (NP_004993.1, residues 260-280): GKSFAFVGPS[Arg270=]YLLFHLVKYI

ClinVar aggregate classification (germline): Uncertain significance (1 of 4 stars; one submission).

gnomAD v4.1: 9 of 1,609,022 alleles (0.00056%); highest among the groups gnomAD compares: South Asian, 0.0011%; no homozygotes.

Submission:

GeneDx
Classification: Uncertain significance. Last evaluated: 2024-02-29. Review status: criteria provided, single submitter. Criteria: GeneDx Variant Classification Process June 2021. Collection method: clinical testing. Allele origin: germline. Affected: yes.
Comment: Not observed at significant frequency in large population cohorts (gnomAD); In silico analysis supports that this variant does not alter splicing; Has not been previously published as pathogenic or benign to our knowledge